The following is an entry in ClinVar:

NM_000069.3(CACNA1S):c.4860C>T (p.Pro1620=)

Gene: CACNA1S (calcium voltage-gated channel subunit alpha1 S; minus strand). Cytogenetic location: 1q32.1.
Variant type: single nucleotide variant.
Coding change: c.4860C>T on transcript NM_000069.3 (MANE Select); coding-DNA position 4860, C replaced by T.
Protein change: p.Pro1620=; no amino-acid change (proline 1620 retained).
Molecular consequence: synonymous variant.
Genome position (GRCh38, 1-based): chr1:201,043,469, G>A on the plus strand (C>T on the coding strand, the complement: CACNA1S is on the minus strand). VCF-style: chr1-201043469-G-A. GRCh37 (hg19) VCF-style: chr1-201012597-G-A.
Other names: p.Pro1620=.
Identifiers: ClinVar variation 254841 (VCV000254841.25), dbSNP rs41267497, ClinGen allele CA083616.

ClinVar aggregate classification (germline): Benign. Review status: criteria provided, multiple submitters, no conflicts (2 of 4 stars). 14 submissions from 11 submitters: Benign (12). 2 of the submissions do not count toward it. Last evaluated 2026-02-04.

Conditions:
Malignant hyperthermia, susceptibility to, 5 (MHS5). Also called: CACNA1S-Related Malignant Hyperthermia Susceptibility. Identifiers: Orphanet 423, MedGen C1866077, MONDO:0011163, OMIM 601887.
Hypokalemic periodic paralysis, type 1. Also called: HypoPP; Hypokalemic Periodic Paralysis Type 1 (AD). Identifiers: Orphanet 681, MedGen C3714580, MONDO:0042979, OMIM 170400.
Congenital myopathy 18. Also called: DIHYDROPYRIDINE RECEPTOR CONGENITAL MYOPATHY; DHPR CONGENITAL MYOPATHY; Myopathy, congenital, due to dihydropyridine receptor defect. Identifiers: MedGen C5830283, MONDO:0859514, OMIM 620246.
Thyrotoxic periodic paralysis, susceptibility to, 1 (TTPP1). Identifiers: Orphanet 79102, MedGen C2749982, MONDO:0008570, OMIM 188580.

Allele frequency attached by ClinVar (database versions not stated): 1000 Genomes Project 0.04613; 1000 Genomes Project 30x 0.04888; TOPMed 0.10075; gnomAD 0.10356 and 0.10778; gnomAD exomes 0.10505; ExAC 0.10652; ESP Exome Variant Server 0.11856.
gnomAD v4.1: 226,334 of 1,613,800 alleles (14%); highest among the groups gnomAD compares: Non-Finnish European, 17%; 18,382 homozygotes.

Submissions (14):

Labcorp Genetics (formerly Invitae), Labcorp
Classification: Benign for Hypokalemic periodic paralysis, type 1; Malignant hyperthermia, susceptibility to, 5. Last evaluated: 2026-02-04. Review status: criteria provided, single submitter. Criteria: Invitae Variant Classification Sherloc (09022015). Collection method: clinical testing. Allele origin: germline.

All of Us Research Program, National Institutes of Health
Classification: Benign for Malignant hyperthermia, susceptibility to, 5. Last evaluated: 2024-02-05. Review status: criteria provided, single submitter. Criteria: ACMG Guidelines, 2015. Collection method: clinical testing. Allele origin: germline. Inheritance: Autosomal dominant inheritance. Observed: 26,509 variant alleles, 24,350 heterozygotes, 2,159 homozygotes.
Comment: This study involves interpretation of variants in research participants for the purpose of population health screening. Participant phenotype was not available at the time of variant classification. Additional details can be found in publication PMID: 35346344, PMCID: PMC8962531

Genome-Nilou Lab
Classification: Benign for Malignant hyperthermia, susceptibility to, 5. Last evaluated: 2023-04-11. Review status: criteria provided, single submitter. Criteria: ACMG Guidelines, 2015. Collection method: clinical testing. Allele origin: germline. Affected: no.

Genome-Nilou Lab
Classification: Benign for Thyrotoxic periodic paralysis, susceptibility to, 1. Last evaluated: 2023-04-11. Review status: criteria provided, single submitter. Criteria: ACMG Guidelines, 2015. Collection method: clinical testing. Allele origin: germline. Affected: no.

Genome-Nilou Lab
Classification: Benign for Congenital myopathy 18. Last evaluated: 2023-04-11. Review status: criteria provided, single submitter. Criteria: ACMG Guidelines, 2015. Collection method: clinical testing. Allele origin: germline. Affected: no.

Genome-Nilou Lab
Classification: Benign for Hypokalemic periodic paralysis, type 1. Last evaluated: 2023-04-11. Review status: criteria provided, single submitter. Criteria: ACMG Guidelines, 2015. Collection method: clinical testing. Allele origin: germline. Affected: no.

Color Diagnostics, LLC DBA Color Health
Classification: Benign for Malignant hyperthermia, susceptibility to, 5. Last evaluated: 2019-03-28. Review status: criteria provided, single submitter. Criteria: ACMG Guidelines, 2015. Collection method: clinical testing. Allele origin: germline.

Illumina Laboratory Services, Illumina
Classification: Benign for Hypokalemic periodic paralysis, type 1. Last evaluated: 2018-01-12. Review status: criteria provided, single submitter. Criteria: ICSL Variant Classification Criteria 13 December 2019. Collection method: clinical testing. Allele origin: germline.
Comment: This variant was observed in the ICSL laboratory as part of a predisposition screen in an ostensibly healthy population. It had not been previously curated by ICSL or reported in the Human Gene Mutation Database (HGMD: prior to June 1st, 2018), and was therefore a candidate for classification through an automated scoring system. Utilizing variant allele frequency, disease prevalence and penetrance estimates, and inheritance mode, an automated score was calculated to assess if this variant is too frequent to cause the disease. Based on the score and internal cut-off values, a variant classified as benign is not then subjected to further curation. The score for this variant resulted in a classification of benign for this disease.

Mayo Clinic Laboratories, Mayo Clinic
Classification: Benign. Last evaluated: 2017-08-24. Review status: criteria provided, single submitter. Criteria: ACMG Guidelines, 2015. Collection method: clinical testing. Allele origin: germline. Observed: 140 variant alleles.

GeneDx
Classification: Benign. Last evaluated: 2016-01-28. Review status: criteria provided, single submitter. Criteria: GeneDx Variant Classification (06012015). Collection method: clinical testing. Allele origin: germline. Affected: yes.
Comment: This variant is considered likely benign or benign based on one or more of the following criteria: it is a conservative change, it occurs at a poorly conserved position in the protein, it is predicted to be benign by multiple in silico algorithms, and/or has population frequency not consistent with disease.

Breakthrough Genomics
Classification: Benign. Review status: criteria provided, single submitter. Criteria: ACMG Guidelines, 2015. Collection method: not provided. Allele origin: germline. Inheritance: Autosomal dominant inheritance. Affected: yes.

PreventionGenetics, part of Exact Sciences
Classification: Benign. Review status: criteria provided, single submitter. Criteria: ACMG Guidelines, 2015. Collection method: clinical testing. Allele origin: germline.

Diagnostic Laboratory, Department of Genetics, University Medical Center Groningen
Classification: Benign. Review status: no assertion criteria provided. Collection method: clinical testing. Allele origin: germline. Affected: yes. Study: VKGL Data-share Consensus. Not counted in ClinVar's aggregate classification.

Joint Genome Diagnostic Labs from Nijmegen and Maastricht, Radboudumc and MUMC+
Classification: Benign. Review status: no assertion criteria provided. Collection method: clinical testing. Allele origin: germline. Affected: yes. Study: VKGL Data-share Consensus. Not counted in ClinVar's aggregate classification.